The following is an entry in ClinVar:

ClinVar aggregate classification (germline): Uncertain significance. Review status: criteria provided, multiple submitters, no conflicts (2 of 4 stars). 2 submissions from 2 submitters: Uncertain significance (2). Last evaluated 2025-06-03.

Conditions:
Familial thoracic aortic aneurysm and aortic dissection (TAAD). Also called: Thoracic aortic aneurysms and dissections. Identifiers: Orphanet 91387, MedGen C4707243, MONDO:0019625.

Submissions (2):

Color Diagnostics, LLC DBA Color Health
Classification: Uncertain significance for Familial thoracic aortic aneurysm and aortic dissection. Last evaluated: 2025-06-03. Review status: criteria provided, single submitter. Criteria: ACMG Guidelines, 2015. Collection method: clinical testing. Allele origin: germline.
Comment: This variant causes an in-frame deletion of one amino acid at exon 3 of the MYH11 protein. To our knowledge, functional studies have not been reported for this variant. This variant has not been reported in individuals affected with MYH11-related disorders in the literature. This variant has not been identified in the general population by the Genome Aggregation Database (gnomAD). The available evidence is insufficient to determine the role of this variant in disease conclusively. Therefore, this variant is classified as a Variant of Uncertain Significance.

GeneDx
Classification: Uncertain significance. Last evaluated: 2025-03-27. Review status: criteria provided, single submitter. Criteria: GeneDx Variant Classification Process June 2021. Collection method: clinical testing. Allele origin: germline. Affected: yes.
Comment: Not observed at significant frequency in large population cohorts (gnomAD); In silico analysis supports a deleterious effect on protein structure/function

NM_002474.3(MYH11):c.407AGA[1] (p.Lys137del)

Gene: MYH11 (myosin heavy chain 11; minus strand). Cytogenetic location: 16p13.11.
Variant type: Microsatellite.
Coding change: c.407AGA[1] on transcript NM_002474.3 (MANE Select); one copy of the 3-base unit AGA starting at c.407; the reference has two copies in a row; one copy, 3 bases deleted.
Protein change: p.Lys137del; deletes lysine 137.
Genome position (GRCh38, 1-based): chr16:15,823,345-15,823,347, TCT deleted on the plus strand (AGA on the coding strand, the reverse complement: MYH11 is on the minus strand); deleting any 3 consecutive bases within chr16:15,823,345-15,823,350 gives the same sequence; the position shown is the placement nearest the transcript's 3' end. VCF-style (leftmost placement, unchanged base first): chr16-15823344-ATCT-A. GRCh37 (hg19) VCF-style: chr16-15917201-ATCT-A.
Other names: c.410_412del (NM_001040113.2); c.407AGA[1], p.Lys137del (NM_001040113.2, NM_001040114.2, NM_022844.3); short protein forms K137del.
Identifiers: ClinVar variation 4088139 (VCV004088139.2).
Genomic context (GRCh38, chr16:15,823,344, plus strand): 5'-GCGATGGCGTAGATGTGAGGCGGCATCTCGTGCCTCTTCTTGCCCTTGTACATGTCGACG[ATCT>A]TCTCCGAGTAGATGGGCAGGTGTTTATAGGGGTTGACCACCACGCAGAAGAGGCCAGAGT-3'